The following is an entry in ClinVar:

NM_000548.5(TSC2):c.1836G>A (p.Leu612=)

Gene: TSC2 (TSC complex subunit 2; plus strand). Cytogenetic location: 16p13.3.
Variant type: single nucleotide variant.
Coding change: c.1836G>A on transcript NM_000548.5 (MANE Select); coding-DNA position 1836, G replaced by A.
Protein change: p.Leu612=; no amino-acid change (leucine 612 retained).
Molecular consequence: synonymous variant.
Genome position (GRCh38, 1-based): chr16:2,070,575, G>A. VCF-style: chr16-2070575-G-A. GRCh37 (hg19) VCF-style: chr16-2120576-G-A.
Other names: c.1836G>A, p.Leu612= (NM_001077183.3, NM_001114382.3, NM_001363528.2 and 3 more transcripts); c.1725G>A, p.Leu575= (NM_001318827.2); c.1689G>A, p.Leu563= (NM_001318829.2); c.1236G>A, p.Leu412= (NM_001318831.2); c.1869G>A, p.Leu623= (NM_001318832.2).
Identifiers: ClinVar variation 318316 (VCV000318316.22), dbSNP rs758839898, ClinGen allele CA033742.
Genomic context (GRCh38, chr16:2,070,575, plus strand): 5'-CCACATTCAGCTCCACTACAAGCACAGCTACACCCTGCCAATCGCGAGCAGCATCCGGCT[G>A]CAGGTATGGTGGCTGGGGTTGCGCAGCCAGTTCCTGGGGGCCCAGCCAGGTATCCCCGTC-3'
Protein context (NP_000539.2, residues 602-622): YTLPIASSIR[Leu612=]QAFDFLLLLR

ClinVar aggregate classification (germline): Benign/Likely benign. Review status: criteria provided, multiple submitters, no conflicts (2 of 4 stars). 4 submissions from 4 submitters: Benign (1); Likely benign (3). Last evaluated 2026-01-13.

Conditions:
Hereditary cancer-predisposing syndrome. Also called: Neoplastic Syndromes, Hereditary; Hereditary neoplastic syndrome; Tumor predisposition; Hereditary Cancer Syndrome. Identifiers: Orphanet 140162, MedGen C0027672, MeSH D009386, MONDO:0015356.
Tuberous sclerosis 2 (TSC2). Identifiers: Orphanet 805, MedGen C1860707, MONDO:0013199, OMIM 613254.

Allele frequency attached by ClinVar (database versions not stated): gnomAD exomes below 0.00001 and 0.00001; ExAC 0.00001; TOPMed 0.00001.
gnomAD v4.1: 2 of 1,613,106 alleles (0.00012%); highest among the groups gnomAD compares: Non-Finnish European, 0.00017%; no homozygotes.

Submissions (4):

Labcorp Genetics (formerly Invitae), Labcorp
Classification: Likely benign for Tuberous sclerosis 2. Last evaluated: 2026-01-13. Review status: criteria provided, single submitter. Criteria: Invitae Variant Classification Sherloc (09022015). Collection method: clinical testing. Allele origin: germline.

Myriad Genetics, Inc.
Classification: Benign for Tuberous sclerosis 2. Last evaluated: 2025-05-15. Review status: criteria provided, single submitter. Criteria: Myriad Autosomal Dominant, Autosomal Recessive and X-Linked Classification Criteria (2023). Collection method: clinical testing. Allele origin: unknown.
Comment: This variant is considered benign. This variant is a silent/synonymous amino acid change and it is not expected to impact splicing.

Genome-Nilou Lab
Classification: Likely benign for Tuberous sclerosis 2. Last evaluated: 2021-11-07. Review status: criteria provided, single submitter. Criteria: ACMG Guidelines, 2015. Collection method: clinical testing. Allele origin: germline. Affected: no.

Ambry Genetics
Classification: Likely benign for Hereditary cancer-predisposing syndrome. Last evaluated: 2017-07-13. Review status: criteria provided, single submitter. Criteria: Ambry Variant Classification Scheme 2023. Collection method: clinical testing. Allele origin: germline.